The following is an entry in ClinVar:

ClinVar aggregate classification (germline): Uncertain significance. Review status: criteria provided, multiple submitters, no conflicts (2 of 4 stars). 2 submissions from 2 submitters: Uncertain significance (2). Last evaluated 2023-02-27.

Conditions:
Inborn genetic diseases. Identifiers: MedGen C0950123, MeSH D030342.

Allele frequency attached by ClinVar (database versions not stated): gnomAD exomes below 0.00001 and 0.00001; TOPMed 0.00002.
gnomAD v4.1: 4 of 1,613,686 alleles (0.00025%); highest among the groups gnomAD compares: East Asian, 0.0089%; no homozygotes.

Submissions (2):

Ambry Genetics
Classification: Uncertain significance for Inborn genetic diseases. Last evaluated: 2023-02-27. Review status: criteria provided, single submitter. Criteria: Ambry Variant Classification Scheme 2023. Collection method: clinical testing. Allele origin: germline.

Labcorp Genetics (formerly Invitae), Labcorp
Classification: Uncertain significance. Last evaluated: 2021-11-01. Review status: criteria provided, single submitter. Criteria: Invitae Variant Classification Sherloc (09022015). Collection method: clinical testing. Allele origin: germline.
Comment: This sequence change replaces proline, which is neutral and non-polar, with leucine, which is neutral and non-polar, at codon 203 of the TNFRSF11A protein (p.Pro203Leu). In summary, the available evidence is currently insufficient to determine the role of this variant in disease. Therefore, it has been classified as a Variant of Uncertain Significance. Algorithms developed to predict the effect of missense changes on protein structure and function output the following: SIFT: "Tolerated"; PolyPhen-2: "Benign"; Align-GVGD: "Class C0". The leucine amino acid residue is found in multiple mammalian species, which suggests that this missense change does not adversely affect protein function. This variant has not been reported in the literature in individuals affected with TNFRSF11A-related conditions. This variant is present in population databases (no rsID available, gnomAD 0.006%).

NM_003839.4(TNFRSF11A):c.608C>T (p.Pro203Leu)

Gene: TNFRSF11A (TNF receptor superfamily member 11a; plus strand). Cytogenetic location: 18q21.33.
Variant type: single nucleotide variant.
Coding change: c.608C>T on transcript NM_003839.4 (MANE Select); coding-DNA position 608, C replaced by T.
Protein change: p.Pro203Leu; replaces proline 203 with leucine.
Molecular consequence: missense variant.
Genome position (GRCh38, 1-based): chr18:62,360,041, C>T. VCF-style: chr18-62360041-C-T. GRCh37 (hg19) VCF-style: chr18-60027274-C-T.
Other names: c.608C>T (NM_003839.2); c.608C>T, p.Pro203Leu (NM_001270949.2, NM_001270950.2, NM_001270951.2); c.566C>T, p.Pro189Leu (NM_001278268.2); short protein forms P189L, P203L.
Identifiers: ClinVar variation 1348677 (VCV001348677.7), dbSNP rs1412171111, ClinGen allele CA402613832.